The following is an entry in ClinVar:

ClinVar aggregate classification (germline): Uncertain significance. Review status: criteria provided, multiple submitters, no conflicts (2 of 4 stars). 2 submissions from 2 submitters: Uncertain significance (2). Last evaluated 2022-11-08.

Submissions (2):

Labcorp Genetics (formerly Invitae), Labcorp
Classification: Uncertain significance. Last evaluated: 2022-11-08. Review status: criteria provided, single submitter. Criteria: Invitae Variant Classification Sherloc (09022015). Collection method: clinical testing. Allele origin: germline.
Comment: In summary, the available evidence is currently insufficient to determine the role of this variant in disease. Therefore, it has been classified as a Variant of Uncertain Significance. Experimental studies and prediction algorithms are not available or were not evaluated, and the functional significance of this variant is currently unknown. ClinVar contains an entry for this variant (Variation ID: 593993). This variant has not been reported in the literature in individuals affected with PEX11B-related conditions. This variant is present in population databases (rs781990921, gnomAD 0.01%). This variant, c.128_133del, results in the deletion of 2 amino acid(s) of the PEX11B protein (p.Lys43_Gln44del), but otherwise preserves the integrity of the reading frame.

Eurofins Ntd Llc (ga)
Classification: Uncertain significance. Last evaluated: 2018-07-24. Review status: criteria provided, single submitter. Criteria: EGL ClinVar v180209 classification definitions. Collection method: clinical testing. Allele origin: germline. Observed: 2 variant alleles, 2 heterozygotes.

NM_003846.3(PEX11B):c.128_133del (p.Lys43_Gln44del)

Gene: PEX11B (peroxisomal biogenesis factor 11 beta; minus strand). Cytogenetic location: 1q21.1.
Variant type: Deletion.
Coding change: c.128_133del on transcript NM_003846.3 (MANE Select); coding-DNA positions 128 to 133, 6 bases deleted (AACAGA; older notation c.128_133delAACAGA).
Protein change: p.Lys43_Gln44del.
Molecular consequence: inframe deletion. On other transcripts: non-coding transcript variant (3).
Genome position (GRCh38, 1-based): chr1:145,917,740-145,917,745, TCTGTT deleted on the plus strand (AACAGA on the coding strand, the reverse complement: PEX11B is on the minus strand); deleting any 6 consecutive bases within chr1:145,917,740-145,917,750 gives the same sequence; the c. name uses the placement nearest the transcript's 3' end. VCF-style (leftmost placement, unchanged base first): chr1-145917739-ATCTGTT-A. GRCh37 (hg19) VCF-style: chr1-145517338-TACAGAA-T.
Other names: c.86_91del, p.Lys29_Gln30del (NM_001184795.1).
Identifiers: ClinVar variation 593993 (VCV000593993.7), dbSNP rs781990921, ClinGen allele CA1055511.